The following is an entry in ClinVar:

NM_000173.7(GP1BA):c.578T>C (p.Leu193Pro)

Gene: GP1BA (glycoprotein Ib platelet subunit alpha; plus strand). Cytogenetic location: 17p13.2.
Variant type: single nucleotide variant.
Coding change: c.578T>C on transcript NM_000173.7 (MANE Select); coding-DNA position 578, T replaced by C.
Protein change: p.Leu193Pro; replaces leucine 193 with proline.
Molecular consequence: missense variant.
Genome position (GRCh38, 1-based): chr17:4,933,182, T>C. VCF-style: chr17-4933182-T-C. GRCh37 (hg19) VCF-style: chr17-4836477-T-C.
Other names: NM_000173.7:c.578T>C; short protein forms L193P.
Identifiers: ClinVar variation 4849256 (VCV004849256.1).

ClinVar aggregate classification (germline): Uncertain significance (3 of 4 stars; one submission).

Conditions:
Bernard Soulier syndrome (BSS). Also called: BLEEDING DISORDER, PLATELET-TYPE, 1; PLATELET GLYCOPROTEIN Ib DEFICIENCY; VON WILLEBRAND FACTOR RECEPTOR DEFICIENCY; Platelet Glycoprotein 1b, Deficiency of; Giant platelet syndrome; Hemorrhagiparous thrombocytic dystrophy. Identifiers: Orphanet 274, MedGen C0005129, MeSH D001606, MONDO:0009276, OMIM 231200.

Submission:

ClinGen Platelet Disorders Variant Curation Expert Panel, ClinGen
Classification: Uncertain significance for Bernard Soulier syndrome. Last evaluated: 2026-02-05. Review status: reviewed by expert panel. Criteria: ClinGen Platelet ACMG Specifications GP1BA V1.0.0. Collection method: curation. Allele origin: germline. Inheritance: Autosomal recessive inheritance.
Comment: The c.578T>C variant in GP1BA is a missense variant predicted to cause substitution of Leucine by Proline at amino acid 193 (p.Leu193Pro). At least one patient (Patient 1 in PMID: 34400424) with this variant had aggregation absent for ristocetin and present for all other agonists, which is highly specific for Bernard-Soulier syndrome Additionally, the patient had excessive mucocutaneous bleeding which is consistent with Bernard-Soulier syndrome (PP4). The computational predictor REVEL gives a score of 0.744, which is above the ClinGen PD VCEP threshold of >0.644 and predicts a damaging effect on function (PP3). This variant is absent from gnomAD v4.1.0 (PM2_Supporting). In summary, this variant meets the criteria to be classified as VUS for autosomal recessive Bernard-Soulier syndrome based on the ACMG/AMP criteria applied, as specified by the ClinGen PD VCEP: PP4, PM3_Supporting, PP3 and PM2_Supporting (VCEP specifications version 1.1).